The following is an entry in ClinVar:

ClinVar aggregate classification (germline): Uncertain significance. Review status: criteria provided, multiple submitters, no conflicts (2 of 4 stars). 2 submissions from 2 submitters: Uncertain significance (2). Last evaluated 2023-11-28.

Conditions:
DK1-congenital disorder of glycosylation. Also called: CONGENITAL DISORDER OF GLYCOSYLATION, TYPE Im; DK1 DEFICIENCY; DOLICHOL KINASE DEFICIENCY; DK1-CDG; CDG Im; DOLK-congenital disorder of glycosylation. Identifiers: Orphanet 91131, MedGen C1835849, MONDO:0012556, OMIM 610768.
Cardiovascular phenotype. Identifiers: MedGen CN230736.

Allele frequency attached by ClinVar (database versions not stated): gnomAD exomes below 0.00001.
gnomAD v4.1: 2 of 1,613,704 alleles (0.00012%); highest among the groups gnomAD compares: Non-Finnish European, 0.00017%; no homozygotes.

Submissions (2):

Ambry Genetics
Classification: Uncertain significance for Cardiovascular phenotype. Last evaluated: 2023-11-28. Review status: criteria provided, single submitter. Criteria: Ambry Variant Classification Scheme 2023. Collection method: clinical testing. Allele origin: germline.
Comment: The p.E169D variant (also known as c.507A>T), located in coding exon 1 of the DOLK gene, results from an A to T substitution at nucleotide position 507. The glutamic acid at codon 169 is replaced by aspartic acid, an amino acid with highly similar properties. This amino acid position is conserved. In addition, the in silico prediction for this alteration is inconclusive. Since supporting evidence is limited at this time, the clinical significance of this alteration remains unclear.

Labcorp Genetics (formerly Invitae), Labcorp
Classification: Uncertain significance for DK1-congenital disorder of glycosylation. Last evaluated: 2022-09-26. Review status: criteria provided, single submitter. Criteria: Invitae Variant Classification Sherloc (09022015). Collection method: clinical testing. Allele origin: germline.
Comment: In summary, the available evidence is currently insufficient to determine the role of this variant in disease. Therefore, it has been classified as a Variant of Uncertain Significance. Advanced modeling of protein sequence and biophysical properties (such as structural, functional, and spatial information, amino acid conservation, physicochemical variation, residue mobility, and thermodynamic stability) performed at Invitae indicates that this missense variant is expected to disrupt DOLK protein function. ClinVar contains an entry for this variant (Variation ID: 853714). This variant has not been reported in the literature in individuals affected with DOLK-related conditions. This variant is not present in population databases (gnomAD no frequency). This sequence change replaces glutamic acid, which is acidic and polar, with aspartic acid, which is acidic and polar, at codon 169 of the DOLK protein (p.Glu169Asp).

NM_014908.4(DOLK):c.507A>T (p.Glu169Asp)

Gene: DOLK (dolichol kinase; minus strand). Cytogenetic location: 9q34.11.
Variant type: single nucleotide variant.
Coding change: c.507A>T on transcript NM_014908.4 (MANE Select); coding-DNA position 507, A replaced by T.
Protein change: p.Glu169Asp; replaces glutamic acid 169 with aspartic acid.
Molecular consequence: missense variant.
Genome position (GRCh38, 1-based): chr9:128,946,797, T>A on the plus strand (A>T on the coding strand, the complement: DOLK is on the minus strand). VCF-style: chr9-128946797-T-A. GRCh37 (hg19) VCF-style: chr9-131709076-T-A.
Other names: short protein forms E169D.
Identifiers: ClinVar variation 853714 (VCV000853714.9), dbSNP rs1841678421, ClinGen allele CA375125270.